The following is an entry in ClinVar:

NM_001492.6(GDF1):c.236G>A (p.Arg79Gln)

Genes: CERS1 (ceramide synthase 1; minus strand), GDF1 (growth differentiation factor 1; minus strand). Cytogenetic location: 19p13.11.
Variant type: single nucleotide variant.
Coding change: c.236G>A on transcript NM_001492.6 (MANE Select); coding-DNA position 236, G replaced by A.
Protein change: p.Arg79Gln; replaces arginine 79 with glutamine.
Molecular consequence: missense variant. On other transcripts: 3 prime UTR variant (2).
Genome position (GRCh38, 1-based): chr19:18,870,072, C>T on the plus strand (G>A on the coding strand, the complement: GDF1 is on the minus strand). VCF-style: chr19-18870072-C-T. GRCh37 (hg19) VCF-style: chr19-18980881-C-T.
Other names: c.*505G>A (NM_001387440.1, NM_021267.5); c.236G>A, p.Arg79Gln (NM_001387438.1); short protein forms R79Q.
Identifiers: ClinVar variation 1041827 (VCV001041827.6), dbSNP rs748236096, ClinGen allele CA9317993.

ClinVar aggregate classification (germline): Uncertain significance (1 of 4 stars; one submission).

Allele frequency attached by ClinVar (database versions not stated): gnomAD exomes 0.00001 and 0.00007; TOPMed 0.00004; ExAC 0.00005; gnomAD 0.00005 and 0.00006.
gnomAD v4.1: 113 of 1,582,670 alleles (0.0071%); highest among the groups gnomAD compares: Middle Eastern, 0.017%; no homozygotes.

Submission:

Labcorp Genetics (formerly Invitae), Labcorp
Classification: Uncertain significance. Last evaluated: 2021-08-27. Review status: criteria provided, single submitter. Criteria: Invitae Variant Classification Sherloc (09022015). Collection method: clinical testing. Allele origin: germline.
Comment: This sequence change replaces arginine with glutamine at codon 79 of the GDF1 protein (p.Arg79Gln). The arginine residue is weakly conserved and there is a small physicochemical difference between arginine and glutamine. This variant is present in population databases (rs748236096, ExAC 0.009%). This variant has not been reported in the literature in individuals affected with GDF1-related conditions. Algorithms developed to predict the effect of missense changes on protein structure and function (SIFT, PolyPhen-2, Align-GVGD) all suggest that this variant is likely to be tolerated. Algorithms developed to predict the effect of sequence changes on RNA splicing suggest that this variant may create or strengthen a splice site. In summary, the available evidence is currently insufficient to determine the role of this variant in disease. Therefore, it has been classified as a Variant of Uncertain Significance.